The following is an entry in ClinVar:

ClinVar aggregate classification (germline): Uncertain significance (1 of 4 stars; one submission).

Conditions:
Early Myoclonic Encephalopathy. Identifiers: MedGen C0270855.

Allele frequency attached by ClinVar (database versions not stated): gnomAD 0.00001; gnomAD exomes 0.00001; TOPMed 0.00002.
gnomAD v4.1: 11 of 1,613,708 alleles (0.00068%); highest among the groups gnomAD compares: Non-Finnish European, 0.00093%; no homozygotes.

Submission:

Labcorp Genetics (formerly Invitae), Labcorp
Classification: Uncertain significance for Early Myoclonic Encephalopathy. Last evaluated: 2022-07-08. Review status: criteria provided, single submitter. Criteria: Invitae Variant Classification Sherloc (09022015). Collection method: clinical testing. Allele origin: germline.
Comment: This variant is present in population databases (no rsID available, gnomAD 0.002%). This sequence change replaces glutamic acid, which is acidic and polar, with glutamine, which is neutral and polar, at codon 2134 of the JMJD1C protein (p.Glu2134Gln). This variant has not been reported in the literature in individuals affected with JMJD1C-related conditions. Algorithms developed to predict the effect of missense changes on protein structure and function are either unavailable or do not agree on the potential impact of this missense change (SIFT: "Deleterious"; PolyPhen-2: "Benign"; Align-GVGD: "Class C0"). In summary, the available evidence is currently insufficient to determine the role of this variant in disease. Therefore, it has been classified as a Variant of Uncertain Significance.

NM_032776.3(JMJD1C):c.6400G>C (p.Glu2134Gln)

Gene: JMJD1C (jumonji domain containing 1C; minus strand). Cytogenetic location: 10q21.3.
Variant type: single nucleotide variant.
Coding change: c.6400G>C on transcript NM_032776.3 (MANE Select); coding-DNA position 6400, G replaced by C.
Protein change: p.Glu2134Gln; replaces glutamic acid 2134 with glutamine.
Molecular consequence: missense variant. On other transcripts: non-coding transcript variant (1).
Genome position (GRCh38, 1-based): chr10:63,189,338, C>G on the plus strand (G>C on the coding strand, the complement: JMJD1C is on the minus strand). VCF-style: chr10-63189338-C-G. GRCh37 (hg19) VCF-style: chr10-64949098-C-G.
Other names: c.5854G>C, p.Glu1952Gln (NM_001282948.2, NM_001318154.2); c.5536G>C, p.Glu1846Gln (NM_001318153.2); c.6286G>C, p.Glu2096Gln (NM_001322252.2); c.5743G>C, p.Glu1915Gln (NM_001322254.2, NM_001322258.2); short protein forms E1915Q, E1952Q, E1846Q, E2096Q, E2134Q.
Identifiers: ClinVar variation 2172800 (VCV002172800.4), dbSNP rs973036563, ClinGen allele CA208358168.
Genomic context (GRCh38, chr10:63,189,338, plus strand): 5'-ATAATTTATTATTTTCATCCACTGCAGATATTATGCTTTCTTCAGGCTCTTCTTTAAGCT[C>G]TGGTTTTACATTTATCTTGGAGGTTTTACTTGGTGGAATTTTGTTTTCAACAACTGAAGC-3'
Protein context (NP_116165.1, residues 2124-2144): SKTSKINVKP[Glu2134Gln]LKEEPEESII